The following is an entry in ClinVar:

NM_001144967.3(NEDD4L):c.2377A>G (p.Asn793Asp)

Gene: NEDD4L (NEDD4 like E3 ubiquitin protein ligase; plus strand). Cytogenetic location: 18q21.31.
Variant type: single nucleotide variant.
Coding change: c.2377A>G on transcript NM_001144967.3 (MANE Select); coding-DNA position 2377, A replaced by G.
Protein change: p.Asn793Asp; replaces asparagine 793 with aspartic acid.
Molecular consequence: missense variant.
Genome position (GRCh38, 1-based): chr18:58,383,270, A>G. VCF-style: chr18-58383270-A-G. GRCh37 (hg19) VCF-style: chr18-56050502-A-G.
Other names: c.2014A>G, p.Asn672Asp (NM_001144964.1, NM_001144965.2, NM_001144966.3); c.2353A>G, p.Asn785Asp (NM_001144968.2); c.2293A>G, p.Asn765Asp (NM_001144969.2); c.1954A>G, p.Asn652Asp (NM_001144970.3, NM_001144971.2); c.2185A>G, p.Asn729Asp (NM_001243960.2); c.2317A>G, p.Asn773Asp (NM_015277.6); short protein forms N652D, N765D, N793D, N672D, N729D, N785D, N773D.
Identifiers: ClinVar variation 966015 (VCV000966015.9), dbSNP rs2048579090, ClinGen allele CA402555110.

ClinVar aggregate classification (germline): Uncertain significance (1 of 4 stars; one submission).

gnomAD v4.1: 1 of 1,541,846 alleles (0.000065%); highest among the groups gnomAD compares: Non-Finnish European, 0.000088%; no homozygotes.

Submission:

Labcorp Genetics (formerly Invitae), Labcorp
Classification: Uncertain significance. Last evaluated: 2022-08-16. Review status: criteria provided, single submitter. Criteria: Invitae Variant Classification Sherloc (09022015). Collection method: clinical testing. Allele origin: germline.
Comment: This sequence change replaces asparagine, which is neutral and polar, with aspartic acid, which is acidic and polar, at codon 773 of the NEDD4L protein (p.Asn773Asp). This variant is not present in population databases (gnomAD no frequency). This variant has not been reported in the literature in individuals affected with NEDD4L-related conditions. ClinVar contains an entry for this variant (Variation ID: 966015). Algorithms developed to predict the effect of missense changes on protein structure and function (SIFT, PolyPhen-2, Align-GVGD) all suggest that this variant is likely to be tolerated. In summary, the available evidence is currently insufficient to determine the role of this variant in disease. Therefore, it has been classified as a Variant of Uncertain Significance.